The following is an entry in ClinVar:

ClinVar aggregate classification (germline): Uncertain significance (1 of 4 stars; one submission).

Submission:

Labcorp Genetics (formerly Invitae), Labcorp
Classification: Uncertain significance. Last evaluated: 2022-05-14. Review status: criteria provided, single submitter. Criteria: Invitae Variant Classification Sherloc (09022015). Collection method: clinical testing. Allele origin: germline.
Comment: In summary, the available evidence is currently insufficient to determine the role of this variant in disease. Therefore, it has been classified as a Variant of Uncertain Significance. Algorithms developed to predict the effect of missense changes on protein structure and function are either unavailable or do not agree on the potential impact of this missense change (SIFT: "Tolerated"; PolyPhen-2: "Not Available"; Align-GVGD: "Class C0"). This variant has not been reported in the literature in individuals affected with KMT2B-related conditions. This variant is not present in population databases (gnomAD no frequency). This sequence change replaces aspartic acid, which is acidic and polar, with histidine, which is basic and polar, at codon 1375 of the KMT2B protein (p.Asp1375His).

NM_014727.3(KMT2B):c.4123G>C (p.Asp1375His)

Gene: KMT2B (lysine methyltransferase 2B; plus strand). Cytogenetic location: 19q13.12.
Variant type: single nucleotide variant.
Coding change: c.4123G>C on transcript NM_014727.3 (MANE Select); coding-DNA position 4123, G replaced by C.
Protein change: p.Asp1375His; replaces aspartic acid 1375 with histidine.
Molecular consequence: missense variant.
Genome position (GRCh38, 1-based): chr19:35,727,443, G>C. VCF-style: chr19-35727443-G-C. GRCh37 (hg19) VCF-style: chr19-36218344-G-C.
Other names: short protein forms D1375H.
Identifiers: ClinVar variation 1952231 (VCV001952231.5), dbSNP rs2513336976, ClinGen allele CA405413229.